The following is an entry in ClinVar:

ClinVar aggregate classification (germline): Uncertain significance (1 of 4 stars; one submission).

Submission:

GeneDx
Classification: Uncertain significance. Last evaluated: 2025-01-28. Review status: criteria provided, single submitter. Criteria: GeneDx Variant Classification Process June 2021. Collection method: clinical testing. Allele origin: germline. Affected: yes.
Comment: Not observed at significant frequency in large population cohorts (gnomAD); In silico analysis supports that this missense variant has a deleterious effect on protein structure/function; Has not been previously published as pathogenic or benign to our knowledge

NM_001393769.1(MED12L):c.4334G>T (p.Gly1445Val)

Genes: MED12L (mediator complex subunit 12L; plus strand), P2RY12 (purinergic receptor P2Y12; minus strand). Cytogenetic location: 3q25.1.
Variant type: single nucleotide variant.
Coding change: c.4334G>T on transcript NM_001393769.1 (MANE Select); coding-DNA position 4334, G replaced by T.
Protein change: p.Gly1445Val; replaces glycine 1445 with valine.
Molecular consequence: missense variant. On other transcripts: intron variant (1).
Genome position (GRCh38, 1-based): chr3:151,378,029, G>T. VCF-style: chr3-151378029-G-T. GRCh37 (hg19) VCF-style: chr3-151095817-G-T.
Other names: c.4229G>T, p.Gly1410Val (NM_053002.6); c.-180+6663C>A (NM_022788.5); short protein forms G1410V, G1445V.
Identifiers: ClinVar variation 3372590 (VCV003372590.2).